The following is an entry in ClinVar:

NM_000212.3(ITGB3):c.2209G>A (p.Ala737Thr)

Genes: EFCAB13-DT (EFCAB13 divergent transcript; minus strand), ITGB3 (integrin subunit beta 3; plus strand). Cytogenetic location: 17q21.32.
Variant type: single nucleotide variant.
Coding change: c.2209G>A on transcript NM_000212.3 (MANE Select); coding-DNA position 2209, G replaced by A.
Protein change: p.Ala737Thr; replaces alanine 737 with threonine.
Molecular consequence: missense variant.
Genome position (GRCh38, 1-based): chr17:47,307,545, G>A. VCF-style: chr17-47307545-G-A. GRCh37 (hg19) VCF-style: chr17-45384911-G-A.
Other names: short protein forms A737T.
Identifiers: ClinVar variation 1693574 (VCV001693574.5), dbSNP rs754764865, ClinGen allele CA8623476.

ClinVar aggregate classification (germline): Uncertain significance. Review status: criteria provided, single submitter (1 of 4 stars). 2 submissions from 2 submitters: Uncertain significance (1). 1 of the submissions does not count toward it. Last evaluated 2024-10-22.

Conditions:
Bleeding disorder, platelet-type, 24. Also called: GLANZMANN THROMBASTHENIA-LIKE WITH MACROTHROMBOCYTOPENIA 2. Identifiers: MedGen C5543280, MONDO:0030996, OMIM 619271.

Allele frequency attached by ClinVar (database versions not stated): gnomAD 0.00001; ExAC 0.00002; gnomAD exomes 0.00003.
gnomAD v4.1: 25 of 1,614,036 alleles (0.0015%); highest among the groups gnomAD compares: East Asian, 0.013%; no homozygotes.

Submissions (2):

Labcorp Genetics (formerly Invitae), Labcorp
Classification: Uncertain significance. Last evaluated: 2024-10-22. Review status: criteria provided, single submitter. Criteria: Invitae Variant Classification Sherloc (09022015). Collection method: clinical testing. Allele origin: germline.
Comment: This sequence change replaces alanine, which is neutral and non-polar, with threonine, which is neutral and polar, at codon 737 of the ITGB3 protein (p.Ala737Thr). This variant is present in population databases (rs754764865, gnomAD 0.02%). This variant has not been reported in the literature in individuals affected with ITGB3-related conditions. ClinVar contains an entry for this variant (Variation ID: 1693574). Invitae Evidence Modeling of protein sequence and biophysical properties (such as structural, functional, and spatial information, amino acid conservation, physicochemical variation, residue mobility, and thermodynamic stability) indicates that this missense variant is not expected to disrupt ITGB3 protein function with a negative predictive value of 80%. In summary, the available evidence is currently insufficient to determine the role of this variant in disease. Therefore, it has been classified as a Variant of Uncertain Significance.

Unidade de Genética Molecular, Centro Hospitalar Universitário do Porto
Classification: Uncertain significance for Bleeding disorder, platelet-type, 24. Last evaluated: 2022-07-07. Review status: no assertion criteria provided. Collection method: research. Allele origin: germline. Inheritance: Autosomal dominant inheritance. Affected: yes. Observed: 1 heterozygote. Not counted in ClinVar's aggregate classification.
Comment: PM2, PP2, PP3